The following is an entry in ClinVar:

ClinVar aggregate classification (germline): Uncertain significance (1 of 4 stars; one submission).

Conditions:
Charcot-Marie-Tooth disease type 4. Also called: Charcot-Marie-Tooth disease, type IV; Charcot-Marie-Tooth, Type 4. Identifiers: Orphanet 64749, MedGen C4082197, MONDO:0018995.

Submission:

Labcorp Genetics (formerly Invitae), Labcorp
Classification: Uncertain significance for Charcot-Marie-Tooth disease type 4. Last evaluated: 2023-11-28. Review status: criteria provided, single submitter. Criteria: Invitae Variant Classification Sherloc (09022015). Collection method: clinical testing. Allele origin: germline.
Comment: This sequence change replaces aspartic acid, which is acidic and polar, with valine, which is neutral and non-polar, at codon 79 of the PRX protein (p.Asp79Val). This variant is not present in population databases (gnomAD no frequency). This variant has not been reported in the literature in individuals affected with PRX-related conditions. ClinVar contains an entry for this variant (Variation ID: 947539). An algorithm developed to predict the effect of missense changes on protein structure and function (PolyPhen-2) suggests that this variant is likely to be disruptive. In summary, the available evidence is currently insufficient to determine the role of this variant in disease. Therefore, it has been classified as a Variant of Uncertain Significance.

NM_181882.3(PRX):c.236A>T (p.Asp79Val)

Gene: PRX (periaxin; minus strand). Cytogenetic location: 19q13.2.
Variant type: single nucleotide variant.
Coding change: c.236A>T on transcript NM_181882.3 (MANE Select); coding-DNA position 236, A replaced by T.
Protein change: p.Asp79Val; replaces aspartic acid 79 with valine.
Molecular consequence: missense variant.
Genome position (GRCh38, 1-based): chr19:40,398,765, T>A on the plus strand (A>T on the coding strand, the complement: PRX is on the minus strand). VCF-style: chr19-40398765-T-A. GRCh37 (hg19) VCF-style: chr19-40904672-T-A.
Other names: c.236A>T, p.Asp79Val (NM_020956.2); short protein forms D79V.
Identifiers: ClinVar variation 947539 (VCV000947539.9), dbSNP rs2079466924, ClinGen allele CA405901316.